The following is an entry in ClinVar:

ClinVar aggregate classification (germline): Uncertain significance (1 of 4 stars; one submission).

Submission:

Labcorp Genetics (formerly Invitae), Labcorp
Classification: Uncertain significance. Last evaluated: 2022-02-06. Review status: criteria provided, single submitter. Criteria: Invitae Variant Classification Sherloc (09022015). Collection method: clinical testing. Allele origin: germline.
Comment: This sequence change replaces asparagine, which is neutral and polar, with aspartic acid, which is acidic and polar, at codon 3904 of the LRP2 protein (p.Asn3904Asp). This variant is not present in population databases (gnomAD no frequency). This variant has not been reported in the literature in individuals affected with LRP2-related conditions. Algorithms developed to predict the effect of missense changes on protein structure and function output the following: SIFT: "Tolerated"; PolyPhen-2: "Possibly Damaging"; Align-GVGD: "Class C0". The aspartic acid amino acid residue is found in multiple mammalian species, which suggests that this missense change does not adversely affect protein function. In summary, the available evidence is currently insufficient to determine the role of this variant in disease. Therefore, it has been classified as a Variant of Uncertain Significance.

NM_004525.3(LRP2):c.11710A>G (p.Asn3904Asp)

Gene: LRP2 (LDL receptor related protein 2; minus strand). Cytogenetic location: 2q31.1.
Variant type: single nucleotide variant.
Coding change: c.11710A>G on transcript NM_004525.3 (MANE Select); coding-DNA position 11710, A replaced by G.
Protein change: p.Asn3904Asp; replaces asparagine 3904 with aspartic acid.
Molecular consequence: missense variant.
Genome position (GRCh38, 1-based): chr2:169,165,980, T>C on the plus strand (A>G on the coding strand, the complement: LRP2 is on the minus strand). VCF-style: chr2-169165980-T-C. GRCh37 (hg19) VCF-style: chr2-170022490-T-C.
Other names: short protein forms N3904D.
Identifiers: ClinVar variation 2093895 (VCV002093895.4), dbSNP rs2545706838, ClinGen allele CA349140228.
Genomic context (GRCh38, chr2:169,165,980, plus strand): 5'-ACTTTTGCTTACAGTGCTCCTCTGTCTCATCAGTTCCATCTCCACAGTCATCCACACCAT[T>C]GCACACCTCATGACTATAAATGCAGCGATTGTTGTCACACCGGAAACGGTTTGGTGAATT-3'
Protein context (NP_004516.2, residues 3894-3914): NRCIYSHEVC[Asn3904Asp]GVDDCGDGTD